The following is an entry in ClinVar:

NM_014855.3(AP5Z1):c.1806-12C>T

Gene: AP5Z1 (adaptor related protein complex 5 subunit zeta 1; plus strand). Cytogenetic location: 7p22.1.
Variant type: single nucleotide variant.
Coding change: c.1806-12C>T on transcript NM_014855.3 (MANE Select); 12 bases into the intron before coding-DNA position 1806, C replaced by T.
Molecular consequence: intron variant.
Genome position (GRCh38, 1-based): chr7:4,790,447, C>T. VCF-style: chr7-4790447-C-T. GRCh37 (hg19) VCF-style: chr7-4830078-C-T.
Other names: c.1806-12C>T (LRG_1247t1); c.1338-12C>T (NM_001364858.1).
Identifiers: ClinVar variation 360338 (VCV000360338.14), dbSNP rs78959612, ClinGen allele CA4138137.
Genomic context (GRCh38, chr7:4,790,447, plus strand): 5'-AGGCCCTTGGCCTGGATGGGGATGGGGTCATAGGTCTGCACAGAGCAGGCGTAGACCCGG[C>T]TTTCTGGGCAGTGTGCTGAGTTCTCAGTTCCTGGCCCTGTGTACGCTGAAACCCTCCCTG-3'

ClinVar aggregate classification (germline): Benign. Review status: criteria provided, multiple submitters, no conflicts (2 of 4 stars). 3 submissions from 3 submitters: Benign (3). Last evaluated 2026-01-25.

Conditions:
Hereditary spastic paraplegia 48. Also called: SPASTIC PARAPLEGIA 48, AUTOSOMAL RECESSIVE; Spastic paraplegia 48. Identifiers: Orphanet 306511, MedGen C3150901, MONDO:0013342, OMIM 613647.

Allele frequency attached by ClinVar (database versions not stated): gnomAD exomes 0.00248; 1000 Genomes Project 0.02137; 1000 Genomes Project 30x 0.02327; ESP Exome Variant Server 0.02550; TOPMed 0.02605.
gnomAD v4.1: 7,328 of 1,613,036 alleles (0.45%); highest among the groups gnomAD compares: African/African-American, 8.2%; 262 homozygotes.

Submissions (3):

Labcorp Genetics (formerly Invitae), Labcorp
Classification: Benign for Hereditary spastic paraplegia 48. Last evaluated: 2026-01-25. Review status: criteria provided, single submitter. Criteria: Invitae Variant Classification Sherloc (09022015). Collection method: clinical testing. Allele origin: germline.

GeneDx
Classification: Benign. Last evaluated: 2018-10-09. Review status: criteria provided, single submitter. Criteria: GeneDx Variant Classification Process June 2021. Collection method: clinical testing. Allele origin: germline. Affected: yes.

Illumina Laboratory Services, Illumina
Classification: Benign for Hereditary spastic paraplegia 48. Last evaluated: 2018-01-13. Review status: criteria provided, single submitter. Criteria: ICSL Variant Classification Criteria 13 December 2019. Collection method: clinical testing. Allele origin: germline.
Comment: This variant was observed in the ICSL laboratory as part of a predisposition screen in an ostensibly healthy population. It had not been previously curated by ICSL or reported in the Human Gene Mutation Database (HGMD: prior to June 1st, 2018), and was therefore a candidate for classification through an automated scoring system. Utilizing variant allele frequency, disease prevalence and penetrance estimates, and inheritance mode, an automated score was calculated to assess if this variant is too frequent to cause the disease. Based on the score and internal cut-off values, a variant classified as benign is not then subjected to further curation. The score for this variant resulted in a classification of benign for this disease.